The following is an entry in ClinVar:

NM_001447.3(FAT2):c.2650G>A (p.Glu884Lys)

Gene: FAT2 (FAT atypical cadherin 2; minus strand). Cytogenetic location: 5q33.1.
Variant type: single nucleotide variant.
Coding change: c.2650G>A on transcript NM_001447.3 (MANE Select); coding-DNA position 2650, G replaced by A.
Protein change: p.Glu884Lys; replaces glutamic acid 884 with lysine.
Molecular consequence: missense variant.
Genome position (GRCh38, 1-based): chr5:151,566,282, C>T on the plus strand (G>A on the coding strand, the complement: FAT2 is on the minus strand). VCF-style: chr5-151566282-C-T. GRCh37 (hg19) VCF-style: chr5-150945843-C-T.
Other names: short protein forms E884K.
Identifiers: ClinVar variation 1027498 (VCV001027498.9), dbSNP rs371388649, ClinGen allele CA3522028.

ClinVar aggregate classification (germline): Conflicting classifications of pathogenicity. Review status: criteria provided, conflicting classifications (1 of 4 stars). 4 submissions from 4 submitters: Uncertain significance (2); Likely benign (2). Last evaluated 2026-01-01.

Conditions:
Spastic ataxia. Identifiers: Orphanet 316226, MedGen C1849156, MONDO:0017845, HP:0002497.

Allele frequency attached by ClinVar (database versions not stated): gnomAD exomes 0.00004; ESP Exome Variant Server 0.00008; gnomAD 0.00010 and 0.00011; TOPMed 0.00017.
gnomAD v4.1: 80 of 1,614,072 alleles (0.005%); highest among the groups gnomAD compares: Middle Eastern, 0.099%; no homozygotes.

Submissions (4):

CeGaT Center for Human Genetics Tuebingen
Classification: Likely benign. Last evaluated: 2026-01-01. Review status: criteria provided, single submitter. Criteria: CeGaT Center For Human Genetics Tuebingen Variant Classification Criteria Version 2. Collection method: clinical testing. Allele origin: germline. Affected: yes. Observed: 1 variant allele.
Comment: FAT2: PP2, BS1

Labcorp Genetics (formerly Invitae), Labcorp
Classification: Uncertain significance. Last evaluated: 2025-08-18. Review status: criteria provided, single submitter. Criteria: Invitae Variant Classification Sherloc (09022015). Collection method: clinical testing. Allele origin: germline.
Comment: This sequence change replaces glutamic acid, which is acidic and polar, with lysine, which is basic and polar, at codon 884 of the FAT2 protein (p.Glu884Lys). This variant is present in population databases (rs371388649, gnomAD 0.01%). This variant has not been reported in the literature in individuals affected with FAT2-related conditions. ClinVar contains an entry for this variant (Variation ID: 1027498). An algorithm developed to predict the effect of missense changes on protein structure and function (PolyPhen-2) suggests that this variant is likely to be disruptive. In summary, the available evidence is currently insufficient to determine the role of this variant in disease. Therefore, it has been classified as a Variant of Uncertain Significance.

Ambry Genetics
Classification: Uncertain significance. Last evaluated: 2022-11-18. Review status: criteria provided, single submitter. Criteria: Ambry Variant Classification Scheme 2023. Collection method: clinical testing. Allele origin: germline.

Molecular Medicine for Neurodegenerative and Neuromuscular Diseases Unit, IRCCS Fondazione Stella Maris
Classification: Likely benign for Spastic ataxia. Last evaluated: 2021-07-12. Review status: criteria provided, single submitter. Criteria: ACMG Guidelines, 2015. Collection method: research. Allele origin: unknown. Affected: yes.